The following is an entry in ClinVar:

ClinVar aggregate classification (germline): Benign (0 of 4 stars; one submission).

Conditions:
ARHGAP32-related disorder. Also called: ARHGAP32-related condition.

Allele frequency attached by ClinVar (database versions not stated): 1000 Genomes Project 0.01478; 1000 Genomes Project 30x 0.01499; TOPMed 0.02551; ESP Exome Variant Server 0.03062; ExAC 0.03183; gnomAD 0.03310; gnomAD exomes 0.04307.
gnomAD v4.1: 67,606 of 1,614,168 alleles (4.2%); highest among the groups gnomAD compares: Non-Finnish European, 4.8%; 1,712 homozygotes.

Submission:

PreventionGenetics, part of Exact Sciences
Classification: Benign for ARHGAP32-related condition. Last evaluated: 2019-07-10. Review status: no assertion criteria provided. Collection method: clinical testing. Allele origin: germline.
Comment: This variant is classified as benign based on ACMG/AMP sequence variant interpretation guidelines (Richards et al. 2015 PMID: 25741868, with internal and published modifications).

NM_001378024.1(ARHGAP32):c.5703G>A (p.Gln1901=)

Gene: ARHGAP32 (Rho GTPase activating protein 32; minus strand). Cytogenetic location: 11q24.3.
Variant type: single nucleotide variant.
Coding change: c.5703G>A on transcript NM_001378024.1 (MANE Select); coding-DNA position 5703, G replaced by A.
Protein change: p.Gln1901=; no amino-acid change (glutamine 1901 retained).
Molecular consequence: synonymous variant.
Genome position (GRCh38, 1-based): chr11:128,969,510, C>T on the plus strand (G>A on the coding strand, the complement: ARHGAP32 is on the minus strand). VCF-style: chr11-128969510-C-T. GRCh37 (hg19) VCF-style: chr11-128839405-C-T.
Other names: c.5661G>A, p.Gln1887= (NM_001142685.2); c.5541G>A, p.Gln1847= (NM_001378025.1); c.4614G>A, p.Gln1538= (NM_014715.4).
Identifiers: ClinVar variation 3060955 (VCV003060955.2), dbSNP rs78856194, ClinGen allele CA6358332.